The following is an entry in ClinVar:

NM_020922.5(WNK3):c.2561C>A (p.Ser854Tyr)

Gene: WNK3 (WNK lysine deficient protein kinase 3; minus strand). Cytogenetic location: Xp11.22.
Variant type: single nucleotide variant.
Coding change: c.2561C>A on transcript NM_020922.5 (MANE Select); coding-DNA position 2561, C replaced by A.
Protein change: p.Ser854Tyr; replaces serine 854 with tyrosine.
Molecular consequence: missense variant.
Genome position (GRCh38, 1-based): chrX:54,251,413, G>T on the plus strand (C>A on the coding strand, the complement: WNK3 is on the minus strand). VCF-style: chrX-54251413-G-T. GRCh37 (hg19) VCF-style: chrX-54277846-G-T.
Other names: c.2561C>A, p.Ser854Tyr (NM_001002838.4, NM_001395166.1); short protein forms S854Y.
Identifiers: ClinVar variation 4086535 (VCV004086535.1).

ClinVar aggregate classification (germline): Uncertain significance (1 of 4 stars; one submission).

gnomAD v4.1: 3 of 1,175,744 alleles (0.00026%); highest among the groups gnomAD compares: African/African-American, 0.0053%; no homozygotes.

Submission:

GeneDx
Classification: Uncertain significance. Last evaluated: 2025-03-16. Review status: criteria provided, single submitter. Criteria: GeneDx Variant Classification Process June 2021. Collection method: clinical testing. Allele origin: germline. Affected: yes.
Comment: In silico analysis supports that this missense variant has a deleterious effect on protein structure/function; Has not been previously published as pathogenic or benign to our knowledge